The following is an entry in ClinVar:

ClinVar aggregate classification (germline): Likely pathogenic (1 of 4 stars; one submission).

Conditions:
Spongy degeneration of central nervous system. Also called: ACY2 DEFICIENCY; AMINOACYLASE 2 DEFICIENCY; ASP DEFICIENCY; ASPA DEFICIENCY; ASPARTOACYLASE DEFICIENCY; CANAVAN-VAN BOGAERT-BERTRAND DISEASE. Identifiers: Orphanet 141, MedGen C0206307, MONDO:0010079, OMIM 271900.

Submission:

First Genomix Gene Laboratory, Genetic Diagnostics Department
Classification: Likely pathogenic for Spongy degeneration of central nervous system. Last evaluated: 2025-05-26. Review status: criteria provided, single submitter. Criteria: ACMG Guidelines, 2015. Collection method: clinical testing. Allele origin: germline. Inheritance: Autosomal recessive inheritance. Affected: no. Observed: 1 variant allele.

NM_000049.4(ASPA):c.846del (p.Phe282fs)

Genes: ASPA (aspartoacylase; plus strand), SPATA22 (spermatogenesis associated 22; minus strand). Cytogenetic location: 17p13.2.
Variant type: Deletion.
Coding change: c.846del on transcript NM_000049.4 (MANE Select); coding-DNA position 846, one base deleted (T; older notation c.846delT).
Protein change: p.Phe282fs; shifts the reading frame from phenylalanine 282.
Molecular consequence: frameshift variant. On other transcripts: intron variant (2).
Genome position (GRCh38, 1-based): chr17:3,498,992, T deleted; the last of 3 consecutive T bases (chr17:3,498,990-3,498,992); deleting any one gives the same sequence. VCF-style (leftmost placement, unchanged base first): chr17-3498989-GT-G. GRCh37 (hg19) VCF-style: chr17-3402283-GT-G.
Other names: c.846delT (NM_000049.4); c.846del, p.Phe282fs (NM_001128085.1); c.-74+14422del (NM_001321336.2, NM_001321337.2); short protein forms F282fs.
Identifiers: ClinVar variation 4849488 (VCV004849488.1).